The following is an entry in ClinVar:

ClinVar aggregate classification (germline): Conflicting classifications of pathogenicity. Review status: criteria provided, conflicting classifications (1 of 4 stars). 3 submissions from 3 submitters: Likely pathogenic (1); Uncertain significance (2). Last evaluated 2026-07-23.

Conditions:
Mucolipidosis type IV (ML4). Also called: ML IV. Identifiers: Orphanet 578, MedGen C0238286, MONDO:0009653, OMIM 252650.

gnomAD v4.1: 2 of 1,614,000 alleles (0.00012%); highest among the groups gnomAD compares: Non-Finnish European, 0.00017%; no homozygotes.

Submissions (3):

Myriad Genetics, Inc.
Classification: Uncertain significance for Mucolipidosis type IV. Last evaluated: 2026-07-23. Review status: criteria provided, single submitter. Criteria: Myriad Autosomal Dominant, Autosomal Recessive and X-Linked Classification Criteria (2023). Collection method: clinical testing. Allele origin: unknown.
Comment: NM_020533.2(MCOLN1):c.785T>C(F262S) is a missense variant classified as a variant of uncertain significance in the context of mucolipidosis IV. F262S has been observed in cases with relevant disease (PMID: 30120981, 35159355, 35425852). Relevant functional assessments of this variant are not available in the literature. F262S has not been observed in referenced population frequency databases. In summary, there is insufficient evidence to classify NM_020533.2(MCOLN1):c.785T>C(F262S) as pathogenic or benign. Please note: this variant was assessed in the context of healthy population screening.

Natera, Inc.
Classification: Likely pathogenic for Mucolipidosis type IV. Last evaluated: 2025-05-13. Review status: criteria provided, single submitter. Criteria: Natera Variant Classification Schema (03/2026). Collection method: clinical testing. Allele origin: germline.
Comment: The c.785T>C variant in MCOLN1 is a missense variant predicted to cause substitution of phenylalanine to serine at amino acid 262. This variant is rare in the general population with a frequency below the threshold expected for the associated phenotype(s). This variant has been observed in one or more individuals affected with the associated recessive disease, as either homozygous or compound heterozygous with a second variant (PMID: 30120981, 35159355). Computational prediction algorithms indicate this variant is likely to affect gene or protein function. Given the available evidence, this variant is classified as Likely Pathogenic.

Baylor Genetics
Classification: Uncertain significance for Mucolipidosis type IV. Last evaluated: 2019-11-26. Review status: criteria provided, single submitter. Criteria: ACMG Guidelines, 2015. Collection method: clinical testing. Allele origin: unknown. Affected: yes.
Comment: This variant was determined to be of uncertain significance according to ACMG Guidelines, 2015 [PMID:25741868].

Literature cited by the submitters: PubMed 30120981 (cited by Myriad Genetics, Inc. and Natera, Inc.); PubMed 35159355 (cited by Myriad Genetics, Inc. and Natera, Inc.); PubMed 35425852 (cited by Myriad Genetics, Inc.).

NM_020533.3(MCOLN1):c.785T>C (p.Phe262Ser)

Gene: MCOLN1 (mucolipin TRP cation channel 1; plus strand). Cytogenetic location: 19p13.2.
Variant type: single nucleotide variant.
Coding change: c.785T>C on transcript NM_020533.3 (MANE Select); coding-DNA position 785, T replaced by C.
Protein change: p.Phe262Ser; replaces phenylalanine 262 with serine.
Molecular consequence: missense variant.
Genome position (GRCh38, 1-based): chr19:7,528,165, T>C. VCF-style: chr19-7528165-T-C. GRCh37 (hg19) VCF-style: chr19-7593051-T-C.
Other names: short protein forms F262S.
Identifiers: ClinVar variation 1028660 (VCV001028660.3), dbSNP rs2022599557, ClinGen allele CA403084441.